The following is an entry in ClinVar:

ClinVar aggregate classification (germline): Benign. Review status: criteria provided, multiple submitters, no conflicts (2 of 4 stars). 10 submissions from 10 submitters: Benign (8). 2 of the submissions do not count toward it. Last evaluated 2026-02-04.

Conditions:
Dilated cardiomyopathy 1JJ (CMD1JJ). Identifiers: Orphanet 154, MedGen C3808935, MONDO:0014095, OMIM 615235.

Allele frequency attached by ClinVar (database versions not stated): ESP Exome Variant Server 0.25811; 1000 Genomes Project 0.24002; gnomAD 0.24973; TOPMed 0.26004; 1000 Genomes Project 30x 0.23969.
gnomAD v4.1: 416,430 of 1,610,248 alleles (26%); highest among the groups gnomAD compares: East Asian, 31%; 55,233 homozygotes.

Submissions (10):

Labcorp Genetics (formerly Invitae), Labcorp
Classification: Benign for Dilated cardiomyopathy 1JJ. Last evaluated: 2026-02-04. Review status: criteria provided, single submitter. Criteria: Invitae Variant Classification Sherloc (09022015). Collection method: clinical testing. Allele origin: germline.

Blueprint Genetics
Classification: Benign. Last evaluated: 2024-11-26. Review status: criteria provided, single submitter. Criteria: ACMG Guidelines, 2015. Collection method: clinical testing. Allele origin: germline.

Women's Health and Genetics/Laboratory Corporation of America, LabCorp
Classification: Benign. Last evaluated: 2023-04-09. Review status: criteria provided, single submitter. Criteria: LabCorp Variant Classification Summary - May 2015. Collection method: clinical testing. Allele origin: germline.

Genome-Nilou Lab
Classification: Benign for Dilated cardiomyopathy 1JJ. Last evaluated: 2021-08-19. Review status: criteria provided, single submitter. Criteria: ACMG Guidelines, 2015. Collection method: clinical testing. Allele origin: germline. Affected: no.

Clinical Genetics DNA and cytogenetics Diagnostics Lab, Erasmus MC, Erasmus Medical Center
Classification: Benign for Dilated cardiomyopathy 1JJ. Last evaluated: 2015-09-21. Review status: criteria provided, single submitter. Criteria: ACGS Guidelines, 2013. Collection method: clinical testing. Allele origin: germline. Affected: yes. Study: VKGL Data-share Consensus.

GeneDx
Classification: Benign. Last evaluated: 2013-11-22. Review status: criteria provided, single submitter. Criteria: GeneDx Variant Classification (06012015). Collection method: clinical testing. Allele origin: germline. Affected: yes.
Comment: This variant is considered likely benign or benign based on one or more of the following criteria: it is a conservative change, it occurs at a poorly conserved position in the protein, it is predicted to be benign by multiple in silico algorithms, and/or has population frequency not consistent with disease.

Laboratory for Molecular Medicine, Mass General Brigham Personalized Medicine
Classification: Benign. Last evaluated: 2012-04-10. Review status: criteria provided, single submitter. Criteria: LMM Criteria. Collection method: clinical testing. Allele origin: germline. Observed: 768 variant alleles.

PreventionGenetics, part of Exact Sciences
Classification: Benign. Review status: criteria provided, single submitter. Criteria: ACMG Guidelines, 2015. Collection method: clinical testing. Allele origin: germline.

Clinical Genetics, Academic Medical Center
Classification: Benign. Review status: no assertion criteria provided. Collection method: clinical testing. Allele origin: germline. Affected: yes. Study: VKGL Data-share Consensus. Not counted in ClinVar's aggregate classification.

Diagnostic Laboratory, Department of Genetics, University Medical Center Groningen
Classification: Benign for Dilated cardiomyopathy 1JJ. Review status: no assertion criteria provided. Collection method: clinical testing. Allele origin: germline. Affected: yes. Study: VKGL Data-share Consensus. Not counted in ClinVar's aggregate classification.

NM_001105206.3(LAMA4):c.5326+6T>G

Gene: LAMA4 (laminin subunit alpha 4; minus strand). Cytogenetic location: 6q21.
Variant type: single nucleotide variant.
Coding change: c.5326+6T>G on transcript NM_001105206.3 (MANE Select); 6 bases into the intron after coding-DNA position 5326, T replaced by G.
Molecular consequence: intron variant.
Genome position (GRCh38, 1-based): chr6:112,114,070, A>C on the plus strand (T>G on the coding strand, the complement: LAMA4 is on the minus strand). VCF-style: chr6-112114070-A-C. GRCh37 (hg19) VCF-style: chr6-112435273-A-C.
Other names: c.5305+6T>G (NM_002290.5, NM_001105207.3).
Identifiers: ClinVar variation 44406 (VCV000044406.21), dbSNP rs3734289, ClinGen allele CA282402.